The following is an entry in ClinVar:

NM_000393.5(COL5A2):c.3040-190G>A

Gene: COL5A2 (collagen type V alpha 2 chain; minus strand). Cytogenetic location: 2q32.2.
Variant type: single nucleotide variant.
Coding change: c.3040-190G>A on transcript NM_000393.5 (MANE Select); 190 bases into the intron before coding-DNA position 3040, G replaced by A.
Molecular consequence: intron variant.
Genome position (GRCh38, 1-based): chr2:189,049,644, C>T on the plus strand (G>A on the coding strand, the complement: COL5A2 is on the minus strand). VCF-style: chr2-189049644-C-T. GRCh37 (hg19) VCF-style: chr2-189914370-C-T.
Identifiers: ClinVar variation 675689 (VCV000675689.2), dbSNP rs115398478, ClinGen allele CA62594319.

ClinVar aggregate classification (germline): Likely benign. Review status: criteria provided, multiple submitters, no conflicts (2 of 4 stars). 2 submissions from 2 submitters: Likely benign (2). Last evaluated 2018-06-14.

Allele frequency attached by ClinVar (database versions not stated): gnomAD 0.00876; TOPMed 0.01039; 1000 Genomes Project 0.01158; 1000 Genomes Project 30x 0.01249.
gnomAD v4.1: 1,409 of 152,260 alleles (0.93%); highest among the groups gnomAD compares: African/African-American, 3.2%; 19 homozygotes.

Submissions (2):

GeneDx
Classification: Likely benign. Last evaluated: 2018-06-14. Review status: criteria provided, single submitter. Criteria: GeneDx Variant Classification (06012015). Collection method: clinical testing. Allele origin: germline. Affected: yes.
Comment: This variant is considered likely benign or benign based on one or more of the following criteria: it is a conservative change, it occurs at a poorly conserved position in the protein, it is predicted to be benign by multiple in silico algorithms, and/or has population frequency not consistent with disease.

Breakthrough Genomics
Classification: Likely benign. Review status: criteria provided, single submitter. Criteria: ACMG Guidelines, 2015. Collection method: not provided. Allele origin: germline. Inheritance: Autosomal dominant inheritance. Affected: yes.